The following is an entry in ClinVar:

ClinVar aggregate classification (germline): Likely benign. Review status: criteria provided, multiple submitters, no conflicts (2 of 4 stars). 3 submissions from 3 submitters: Likely benign (3). Last evaluated 2025-06-20.

Conditions:
PIEZO1-related disorder. Also called: PIEZO1-related condition; PIEZO1-Related Disorders.

Allele frequency attached by ClinVar (database versions not stated): gnomAD 0.00011 and 0.00015; gnomAD exomes 0.00017 and 0.00034; TOPMed 0.00017; ESP Exome Variant Server 0.00022; 1000 Genomes Project 30x 0.00031; 1000 Genomes Project 0.00040; ExAC 0.00097.
gnomAD v4.1: 276 of 1,532,212 alleles (0.018%); highest among the groups gnomAD compares: South Asian, 0.14%; 1 homozygote.

Submissions (3):

PreventionGenetics, part of Exact Sciences
Classification: Likely benign for PIEZO1-related condition. Last evaluated: 2025-06-20. Review status: criteria provided, single submitter. Criteria: ACMG Guidelines, 2015. Collection method: clinical testing. Allele origin: germline.
Comment: This variant is classified as likely benign based on ACMG/AMP sequence variant interpretation guidelines (Richards et al. 2015 PMID: 25741868, with internal and published modifications).

Blueprint Genetics
Classification: Likely benign. Last evaluated: 2024-11-21. Review status: criteria provided, single submitter. Criteria: ACMG Guidelines, 2015. Collection method: clinical testing. Allele origin: germline.

Labcorp Genetics (formerly Invitae), Labcorp
Classification: Likely benign. Last evaluated: 2019-12-31. Review status: criteria provided, single submitter. Criteria: Invitae Variant Classification Sherloc (09022015). Collection method: clinical testing. Allele origin: germline.

NM_001142864.4(PIEZO1):c.999C>T (p.Arg333=)

Genes: HSALR1 (HSP90AB1 associated lncRNA 1; plus strand), PIEZO1 (piezo type mechanosensitive ion channel component 1 (Er blood group); minus strand). Cytogenetic location: 16q24.3.
Variant type: single nucleotide variant.
Coding change: c.999C>T on transcript NM_001142864.4 (MANE Select); coding-DNA position 999, C replaced by T.
Protein change: p.Arg333=; no amino-acid change (arginine 333 retained).
Molecular consequence: synonymous variant. On other transcripts: non-coding transcript variant (1).
Genome position (GRCh38, 1-based): chr16:88,737,955, G>A on the plus strand (C>T on the coding strand, the complement: PIEZO1 is on the minus strand). VCF-style: chr16-88737955-G-A. GRCh37 (hg19) VCF-style: chr16-88804363-G-A.
Identifiers: ClinVar variation 764843 (VCV000764843.6), dbSNP rs376362724, ClinGen allele CA8233150.